The following is an entry in ClinVar:

NM_000629.3(IFNAR1):c.954G>C (p.Trp318Cys)

Gene: IFNAR1 (interferon alpha and beta receptor subunit 1; plus strand). Cytogenetic location: 21q22.11.
Variant type: single nucleotide variant.
Coding change: c.954G>C on transcript NM_000629.3 (MANE Select); coding-DNA position 954, G replaced by C.
Protein change: p.Trp318Cys; replaces tryptophan 318 with cysteine.
Molecular consequence: missense variant.
Genome position (GRCh38, 1-based): chr21:33,349,256, G>C. VCF-style: chr21-33349256-G-C. GRCh37 (hg19) VCF-style: chr21-34721562-G-C.
Other names: c.954G>C, p.Trp318Cys (NM_001384498.1, NM_001384499.1, NM_001384503.1); c.192G>C, p.Trp64Cys (NM_001384500.1); c.939G>C, p.Trp313Cys (NM_001384501.1); c.492G>C, p.Trp164Cys (NM_001384502.1); c.747G>C, p.Trp249Cys (NM_001384504.1); short protein forms W164C, W249C, W313C, W318C, W64C.
Identifiers: ClinVar variation 1913444 (VCV001913444.4), dbSNP rs578193831, ClinGen allele CA10006622.

ClinVar aggregate classification (germline): Uncertain significance (1 of 4 stars; one submission).

Allele frequency attached by ClinVar (database versions not stated): gnomAD exomes 0.00001; ExAC 0.00002; gnomAD 0.00003.
gnomAD v4.1: 23 of 1,610,808 alleles (0.0014%); highest among the groups gnomAD compares: Middle Eastern, 0.033%; no homozygotes.

Submission:

Labcorp Genetics (formerly Invitae), Labcorp
Classification: Uncertain significance. Last evaluated: 2025-07-02. Review status: criteria provided, single submitter. Criteria: Invitae Variant Classification Sherloc (09022015). Collection method: clinical testing. Allele origin: germline.
Comment: This sequence change replaces tryptophan, which is neutral and slightly polar, with cysteine, which is neutral and slightly polar, at codon 318 of the IFNAR1 protein (p.Trp318Cys). This variant is present in population databases (rs578193831, gnomAD 0.01%). This variant has not been reported in the literature in individuals affected with IFNAR1-related conditions. ClinVar contains an entry for this variant (Variation ID: 1913444). An algorithm developed to predict the effect of missense changes on protein structure and function (PolyPhen-2) suggests that this variant is likely to be disruptive. In summary, the available evidence is currently insufficient to determine the role of this variant in disease. Therefore, it has been classified as a Variant of Uncertain Significance.